The following is an entry in ClinVar:

ClinVar aggregate classification (germline): Pathogenic (1 of 4 stars; one submission).

Submission:

Labcorp Genetics (formerly Invitae), Labcorp
Classification: Pathogenic. Last evaluated: 2025-06-16. Review status: criteria provided, single submitter. Criteria: Invitae Variant Classification Sherloc (09022015). Collection method: clinical testing. Allele origin: germline.
Comment: This sequence change falls in intron 37 of the COL11A1 gene. It does not directly change the encoded amino acid sequence of the COL11A1 protein. It affects a nucleotide within the consensus splice site. This variant is not present in population databases (gnomAD no frequency). This variant has been observed in individual(s) with Stickler syndrome (internal data). In at least one individual the variant was observed to be de novo. Variants that disrupt the consensus splice site are a relatively common cause of aberrant splicing (PMID: 17576681, 9536098). Algorithms developed to predict the effect of sequence changes on RNA splicing suggest that this variant may disrupt the consensus splice site. For these reasons, this variant has been classified as Pathogenic.

Literature cited by the submitters: PubMed 17576681; PubMed 9536098.

NM_001854.4(COL11A1):c.2862+4del

Gene: COL11A1 (collagen type XI alpha 1 chain; minus strand). Cytogenetic location: 1p21.1.
Variant type: Deletion.
Coding change: c.2862+4del on transcript NM_001854.4 (MANE Select); 4 bases into the intron after coding-DNA position 2862, one base deleted (A; older notation c.2862+4delA).
Molecular consequence: intron variant.
Genome position (GRCh38, 1-based): chr1:102,970,215, T deleted on the plus strand (A on the coding strand, the reverse complement: COL11A1 is on the minus strand); the first of 2 consecutive T bases (chr1:102,970,215-102,970,216); deleting either gives the same sequence. VCF-style (leftmost placement, unchanged base first): chr1-102970214-CT-C. GRCh37 (hg19) VCF-style: chr1-103435770-CT-C.
Other names: c.2745+4del (NM_001190709.2); c.2898+4del (NM_080629.3); c.2514+4del (NM_080630.4).
Identifiers: ClinVar variation 4713234 (VCV004713234.1).